The following is an entry in ClinVar:

ClinVar aggregate classification (germline): Uncertain significance (1 of 4 stars; one submission).

Allele frequency attached by ClinVar (database versions not stated): gnomAD 0.00001; gnomAD exomes 0.00001; ExAC 0.00003; TOPMed 0.00003.
gnomAD v4.1: 26 of 1,596,612 alleles (0.0016%); highest among the groups gnomAD compares: Non-Finnish European, 0.002%; no homozygotes.

Submission:

Labcorp Genetics (formerly Invitae), Labcorp
Classification: Uncertain significance. Last evaluated: 2024-07-13. Review status: criteria provided, single submitter. Criteria: Invitae Variant Classification Sherloc (09022015). Collection method: clinical testing. Allele origin: germline.
Comment: This sequence change replaces arginine, which is basic and polar, with cysteine, which is neutral and slightly polar, at codon 1316 of the RIMS1 protein (p.Arg1316Cys). The frequency data for this variant in the population databases is considered unreliable, as metrics indicate poor data quality at this position in the gnomAD database. This missense change has been observed in individual(s) with autism spectrum disorder (PMID: 28191889). ClinVar contains an entry for this variant (Variation ID: 1054248). An algorithm developed to predict the effect of missense changes on protein structure and function (PolyPhen-2) suggests that this variant is likely to be disruptive. In summary, the available evidence is currently insufficient to determine the role of this variant in disease. Therefore, it has been classified as a Variant of Uncertain Significance.

Literature cited by the submitters: PubMed 28191889.

NM_014989.7(RIMS1):c.3946C>T (p.Arg1316Cys)

Gene: RIMS1 (regulating synaptic membrane exocytosis 1; plus strand). Cytogenetic location: 6q13.
Variant type: single nucleotide variant.
Coding change: c.3946C>T on transcript NM_014989.7 (MANE Select); coding-DNA position 3946, C replaced by T.
Protein change: p.Arg1316Cys; replaces arginine 1316 with cysteine.
Molecular consequence: missense variant. On other transcripts: intron variant (24).
Genome position (GRCh38, 1-based): chr6:72,307,353, C>T. VCF-style: chr6-72307353-C-T. GRCh37 (hg19) VCF-style: chr6-73017056-C-T.
Other names: c.1906C>T, p.Arg636Cys (NM_001168407.2); c.1867C>T, p.Arg623Cys (NM_001350414.2); c.1990C>T, p.Arg664Cys (NM_001350415.2); c.1939C>T, p.Arg647Cys (NM_001350416.2); c.1912C>T, p.Arg638Cys (NM_001350418.2); c.2020C>T, p.Arg674Cys (NM_001350420.2); c.1765C>T, p.Arg589Cys (NM_001350421.2); c.1681C>T, p.Arg561Cys (NM_001350423.2, NM_001350444.2); and 51 more; short protein forms R1316C, R480C, R505C, R531C, R532C, R542C, R547C, R555C.
Identifiers: ClinVar variation 1054248 (VCV001054248.9), dbSNP rs749244330, ClinGen allele CA3886398.